The following is an entry in ClinVar:

NM_014915.3(ANKRD26):c.2392G>T (p.Glu798Ter)

Gene: ANKRD26 (ankyrin repeat domain 26; minus strand). Cytogenetic location: 10p12.1.
Variant type: single nucleotide variant.
Coding change: c.2392G>T on transcript NM_014915.3 (MANE Select); coding-DNA position 2392, G replaced by T.
Protein change: p.Glu798Ter; replaces glutamic acid 798 with a stop codon.
Molecular consequence: nonsense.
Genome position (GRCh38, 1-based): chr10:27,038,038, C>A on the plus strand (G>T on the coding strand, the complement: ANKRD26 is on the minus strand). VCF-style: chr10-27038038-C-A. GRCh37 (hg19) VCF-style: chr10-27326967-C-A.
Other names: c.2389G>T, p.Glu797Ter (NM_001256053.2); short protein forms E797*, E798*.
Identifiers: ClinVar variation 1684449 (VCV001684449.4), dbSNP rs560561829, ClinGen allele CA376367119.

ClinVar aggregate classification (germline): Uncertain significance. Review status: criteria provided, multiple submitters, no conflicts (2 of 4 stars). 3 submissions from 3 submitters: Uncertain significance (2). 1 of the submissions does not count toward it. Last evaluated 2025-10-15.

Conditions:
Thrombocytopenia 2 (THC2). Also called: ANKRD26-Related Thrombocytopenia. Identifiers: Orphanet 268322, MedGen C1861185, MONDO:0008555, OMIM 188000.

Allele frequency attached by ClinVar (database versions not stated): TOPMed below 0.00001; gnomAD 0.00001.
gnomAD v4.1: 10 of 1,609,746 alleles (0.00062%); highest among the groups gnomAD compares: Non-Finnish European, 0.00076%; no homozygotes.

Submissions (3):

Labcorp Genetics (formerly Invitae), Labcorp
Classification: Uncertain significance. Last evaluated: 2025-10-15. Review status: criteria provided, single submitter. Criteria: Invitae Variant Classification Sherloc (09022015). Collection method: clinical testing. Allele origin: germline.
Comment: This sequence change creates a premature translational stop signal (p.Glu798*) in the ANKRD26 gene. It is expected to result in an absent or disrupted protein product. However, the current clinical and genetic evidence is not sufficient to establish whether loss-of-function variants in ANKRD26 cause disease. The frequency data for this variant in the population databases is considered unreliable, as metrics indicate poor data quality at this position in the gnomAD database. This variant has not been reported in the literature in individuals affected with ANKRD26-related conditions. ClinVar contains an entry for this variant (Variation ID: 1684449). Algorithms developed to predict the effect of sequence changes on RNA splicing suggest that this variant may disrupt the consensus splice site. In summary, the available evidence is currently insufficient to determine the role of this variant in disease. Therefore, it has been classified as a Variant of Uncertain Significance.

GeneDx
Classification: Uncertain significance. Last evaluated: 2023-07-31. Review status: criteria provided, single submitter. Criteria: GeneDx Variant Classification Process June 2021. Collection method: clinical testing. Allele origin: germline. Affected: yes.
Comment: Not observed at significant frequency in large population cohorts (gnomAD); Has not been previously published as pathogenic or benign to our knowledge; Nonsense variant predicted to result in protein truncation or nonsense mediated decay in a gene for which loss-of-function is not a known mechanism of disease

ISTH-SSC Genomics in Thrombosis and Hemostasis, KU Leuven, Center for Molecular and Vascular Biology
Classification: Likely pathogenic for Thrombocytopenia 2. Review status: no assertion criteria provided. Collection method: research. Allele origin: unknown. Affected: yes. Not counted in ClinVar's aggregate classification.
Comment: Submitted to GoldVariant by Dr Marie-Christine Morel-Kopp from Northern Blood Research Centre, Sydney, Australia